The following is an entry in ClinVar:

ClinVar aggregate classification (germline): Uncertain significance. Review status: criteria provided, multiple submitters, no conflicts (2 of 4 stars). 2 submissions from 2 submitters: Uncertain significance (2). Last evaluated 2025-10-15.

Conditions:
Pseudo-Hurler polydystrophy. Also called: ML III; ML III ALPHA/BETA; MUCOLIPIDOSIS IIIA; Type III Mucolipidosis; ML IIIA; Mucolipidosis III Alpha/Beta. Identifiers: Orphanet 423461, Orphanet 577, MedGen C0033788, MONDO:0018931, OMIM 252600.
Mucolipidosis type II. Also called: ML II ALPHA/BETA; Mucolipidosis 2; ML 2; Inclusion cell disease; Leroy Disease; N-acetylglucosamine 1phosphotransferase deficiency. Identifiers: Orphanet 576, MedGen C2673377, MONDO:0009650, OMIM 252500.
Inborn genetic diseases. Identifiers: MedGen C0950123, MeSH D030342.

Allele frequency attached by ClinVar (database versions not stated): gnomAD exomes below 0.00001; TOPMed 0.00001.
gnomAD v4.1: 3 of 1,611,116 alleles (0.00019%); highest among the groups gnomAD compares: Non-Finnish European, 0.00025%; no homozygotes.

Submissions (2):

Ambry Genetics
Classification: Uncertain significance for Inborn genetic diseases. Last evaluated: 2025-10-15. Review status: criteria provided, single submitter. Criteria: Ambry Variant Classification Scheme 2023. Collection method: clinical testing. Allele origin: germline.

Labcorp Genetics (formerly Invitae), Labcorp
Classification: Uncertain significance for Pseudo-Hurler polydystrophy; Mucolipidosis type II. Last evaluated: 2021-01-11. Review status: criteria provided, single submitter. Criteria: Invitae Variant Classification Sherloc (09022015). Collection method: clinical testing. Allele origin: germline.
Comment: This variant is not present in population databases (ExAC no frequency). This variant has not been reported in the literature in individuals with GNPTAB-related conditions. Algorithms developed to predict the effect of missense changes on protein structure and function are either unavailable or do not agree on the potential impact of this missense change (SIFT: "Tolerated"; PolyPhen-2: "Probably Damaging"; Align-GVGD: "Class C0"). In summary, the available evidence is currently insufficient to determine the role of this variant in disease. Therefore, it has been classified as a Variant of Uncertain Significance. This sequence change replaces phenylalanine with isoleucine at codon 1222 of the GNPTAB protein (p.Phe1222Ile). The phenylalanine residue is highly conserved and there is a small physicochemical difference between phenylalanine and isoleucine.

NM_024312.5(GNPTAB):c.3664T>A (p.Phe1222Ile)

Gene: GNPTAB (N-acetylglucosamine-1-phosphate transferase subunits alpha and beta; minus strand). Cytogenetic location: 12q23.2.
Variant type: single nucleotide variant.
Coding change: c.3664T>A on transcript NM_024312.5 (MANE Select); coding-DNA position 3664, T replaced by A.
Protein change: p.Phe1222Ile; replaces phenylalanine 1222 with isoleucine.
Molecular consequence: missense variant.
Genome position (GRCh38, 1-based): chr12:101,749,130, A>T on the plus strand (T>A on the coding strand, the complement: GNPTAB is on the minus strand). VCF-style: chr12-101749130-A-T. GRCh37 (hg19) VCF-style: chr12-102142908-A-T.
Other names: c.3664T>A (NM_024312.4); short protein forms F1222I.
Identifiers: ClinVar variation 1428348 (VCV001428348.9), dbSNP rs1952778790, ClinGen allele CA386291672.
Genomic context (GRCh38, chr12:101,749,130, plus strand): 5'-TTAATACCCACATAAAATATATAAAACTTACCTGCTCAGCAAAAAATGAGAATATAGTAA[A>T]CATAATCAATGTTGCTAGTACACAATGGGTCCAAAACTTCAATTTGTCTCGATAAGCCCT-3'
Protein context (NP_077288.2, residues 1212-1232): THCVLATLIM[Phe1222Ile]TIFSFFAEQL